The following is an entry in ClinVar:

NM_001035.3(RYR2):c.6899A>G (p.Asp2300Gly)

Gene: RYR2 (ryanodine receptor 2; plus strand). Cytogenetic location: 1q43.
Variant type: single nucleotide variant.
Coding change: c.6899A>G on transcript NM_001035.3 (MANE Select); coding-DNA position 6899, A replaced by G.
Protein change: p.Asp2300Gly; replaces aspartic acid 2300 with glycine.
Molecular consequence: missense variant.
Genome position (GRCh38, 1-based): chr1:237,638,463, A>G. VCF-style: chr1-237638463-A-G. GRCh37 (hg19) VCF-style: chr1-237801763-A-G.
Other names: short protein forms D2300G.
Identifiers: ClinVar variation 869432 (VCV000869432.12), dbSNP rs1681104142, ClinGen allele CA345395649.
Genomic context (GRCh38, chr1:237,638,463, plus strand): 5'-TGGTGTCTAAGGGCTATCCAGACATTGGGTGGAACCCAGTTGAAGGAGAGAGATATCTTG[A>G]CTTTCTTAGATTTGCTGTCTTCTGTAATGGTAGGACTTGATTTCTTGAGGTCTTTTGAGT-3'
Protein context (NP_001026.2, residues 2290-2310): WNPVEGERYL[Asp2300Gly]FLRFAVFCNG

ClinVar aggregate classification (germline): Conflicting classifications of pathogenicity. Review status: criteria provided, conflicting classifications (1 of 4 stars). 2 submissions from 2 submitters: Likely pathogenic (1); Uncertain significance (1). Last evaluated 2019-11-12.

Conditions:
Catecholaminergic polymorphic ventricular tachycardia 1. Also called: VENTRICULAR TACHYCARDIA, CATECHOLAMINERGIC POLYMORPHIC, 1, WITH OR WITHOUT ATRIAL DYSFUNCTION AND/OR DILATED CARDIOMYOPATHY; RYR2-Related Catecholaminergic Polymorphic Ventricular Tachycardia; VENTRICULAR TACHYCARDIA, STRESS-INDUCED POLYMORPHIC 1. Identifiers: Orphanet 3286, MedGen C1631597, MONDO:0011484, OMIM 604772.

gnomAD v4.1: 1 of 1,613,882 alleles (0.000062%); no homozygotes.

Submissions (2):

Labcorp Genetics (formerly Invitae), Labcorp
Classification: Uncertain significance for Catecholaminergic polymorphic ventricular tachycardia 1. Last evaluated: 2019-11-12. Review status: criteria provided, single submitter. Criteria: Invitae Variant Classification Sherloc (09022015). Collection method: clinical testing. Allele origin: germline.
Comment: In summary, the available evidence is currently insufficient to determine the role of this variant in disease. Therefore, it has been classified as a Variant of Uncertain Significance. Algorithms developed to predict the effect of missense changes on protein structure and function (SIFT, PolyPhen-2, Align-GVGD) all suggest that this variant is likely to be disruptive, but these predictions have not been confirmed by published functional studies and their clinical significance is uncertain. This variant has not been reported in the literature in individuals with RYR2-related conditions. This variant is not present in population databases (ExAC no frequency). This sequence change replaces aspartic acid with glycine at codon 2300 of the RYR2 protein (p.Asp2300Gly). The aspartic acid residue is highly conserved and there is a moderate physicochemical difference between aspartic acid and glycine.

MVZ Martinsried, Medicover Genetics
Classification: Likely pathogenic for Catecholaminergic polymorphic ventricular tachycardia 1. Last evaluated: 2019-07-23. Review status: criteria provided, single submitter. Criteria: ACMG Guidelines, 2015. Collection method: clinical testing. Allele origin: unknown. Affected: yes.